The following is an entry in ClinVar:

ClinVar aggregate classification (germline): Uncertain significance (1 of 4 stars; one submission).

Allele frequency attached by ClinVar (database versions not stated): gnomAD exomes below 0.00001; TOPMed below 0.00001; gnomAD 0.00001.
gnomAD v4.1: 3 of 1,607,642 alleles (0.00019%); highest among the groups gnomAD compares: Admixed American, 0.0017%; no homozygotes.

Submission:

Labcorp Genetics (formerly Invitae), Labcorp
Classification: Uncertain significance. Last evaluated: 2026-02-02. Review status: criteria provided, single submitter. Criteria: Invitae Variant Classification Sherloc (09022015). Collection method: clinical testing. Allele origin: germline.
Comment: This sequence change replaces isoleucine, which is neutral and non-polar, with valine, which is neutral and non-polar, at codon 260 of the SI protein (p.Ile260Val). This variant is not present in population databases (gnomAD no frequency). This variant has not been reported in the literature in individuals affected with SI-related conditions. ClinVar contains an entry for this variant (Variation ID: 1372997). Invitae Evidence Modeling of protein sequence and biophysical properties (such as structural, functional, and spatial information, amino acid conservation, physicochemical variation, residue mobility, and thermodynamic stability) indicates that this missense variant is not expected to disrupt SI protein function with a negative predictive value of 95%. In summary, the available evidence is currently insufficient to determine the role of this variant in disease. Therefore, it has been classified as a Variant of Uncertain Significance.

NM_001041.4(SI):c.778A>G (p.Ile260Val)

Gene: SI (sucrase-isomaltase; minus strand). Cytogenetic location: 3q26.1.
Variant type: single nucleotide variant.
Coding change: c.778A>G on transcript NM_001041.4 (MANE Select); coding-DNA position 778, A replaced by G.
Protein change: p.Ile260Val; replaces isoleucine 260 with valine.
Molecular consequence: missense variant.
Genome position (GRCh38, 1-based): chr3:165,065,290, T>C on the plus strand (A>G on the coding strand, the complement: SI is on the minus strand). VCF-style: chr3-165065290-T-C. GRCh37 (hg19) VCF-style: chr3-164783078-T-C.
Other names: short protein forms I260V.
Identifiers: ClinVar variation 1372997 (VCV001372997.8), dbSNP rs1334827980, ClinGen allele CA355032616.
Genomic context (GRCh38, chr3:165,065,290, plus strand): 5'-TTTATTTATAACAAGAAAAATAATTTCTTACATCACCAGGAAGTTGGTCTCGAGTAAAAA[T>C]TGGCCATGTTTTCCAGGATAAATCATGACGAAATCTCTTATGAACTTGTTCTCCAATACC-3'
Protein context (NP_001032.2, residues 250-270): RHDLSWKTWP[Ile260Val]FTRDQLPGDN